The following is an entry in ClinVar:

ClinVar aggregate classification (germline): Uncertain significance (1 of 4 stars; one submission).

Conditions:
DiGeorge syndrome. Also called: THIRD AND FOURTH PHARYNGEAL POUCH SYNDROME; Catch22. Identifiers: Orphanet 567, MedGen C0012236, MONDO:0008564, OMIM 188400.

Allele frequency attached by ClinVar (database versions not stated): gnomAD exomes below 0.00001.
gnomAD v4.1: 1 of 1,556,536 alleles (0.000064%); highest among the groups gnomAD compares: Non-Finnish European, 0.000086%; no homozygotes.

Submission:

Labcorp Genetics (formerly Invitae), Labcorp
Classification: Uncertain significance for DiGeorge syndrome. Last evaluated: 2025-09-22. Review status: criteria provided, single submitter. Criteria: Invitae Variant Classification Sherloc (09022015). Collection method: clinical testing. Allele origin: germline.
Comment: This sequence change replaces serine, which is neutral and polar, with proline, which is neutral and non-polar, at codon 481 of the TBX1 protein (p.Ser481Pro). This variant is not present in population databases (gnomAD no frequency). This variant has not been reported in the literature in individuals affected with TBX1-related conditions. ClinVar contains an entry for this variant (Variation ID: 2183173). An algorithm developed to predict the effect of missense changes on protein structure and function (PolyPhen-2) suggests that this variant is likely to be disruptive. In summary, the available evidence is currently insufficient to determine the role of this variant in disease. Therefore, it has been classified as a Variant of Uncertain Significance.

NM_001379200.1(TBX1):c.1468T>C (p.Ser490Pro)

Gene: TBX1 (T-box transcription factor 1; plus strand). Cytogenetic location: 22q11.21.
Variant type: single nucleotide variant.
Coding change: c.1468T>C on transcript NM_001379200.1 (MANE Select); coding-DNA position 1468, T replaced by C.
Protein change: p.Ser490Pro; replaces serine 490 with proline.
Molecular consequence: missense variant. On other transcripts: intron variant (2).
Genome position (GRCh38, 1-based): chr22:19,766,820, T>C. VCF-style: chr22-19766820-T-C. GRCh37 (hg19) VCF-style: chr22-19754343-T-C.
Other names: c.1441T>C, p.Ser481Pro (NM_080647.1); c.1009+818T>C (NM_005992.1, NM_080646.2); short protein forms S490P, S481P.
Identifiers: ClinVar variation 2183173 (VCV002183173.4), dbSNP rs2517859875, ClinGen allele CA410685661.